The following is an entry in ClinVar:

NM_004795.4(KL):c.1730C>G (p.Ala577Gly)

Gene: KL (klotho; plus strand). Cytogenetic location: 13q13.1.
Variant type: single nucleotide variant.
Coding change: c.1730C>G on transcript NM_004795.4 (MANE Select); coding-DNA position 1730, C replaced by G.
Protein change: p.Ala577Gly; replaces alanine 577 with glycine.
Molecular consequence: missense variant.
Genome position (GRCh38, 1-based): chr13:33,060,809, C>G. VCF-style: chr13-33060809-C-G. GRCh37 (hg19) VCF-style: chr13-33634946-C-G.
Other names: short protein forms A577G.
Identifiers: ClinVar variation 2118961 (VCV002118961.4), dbSNP rs2501789031, ClinGen allele CA387794489.

ClinVar aggregate classification (germline): Uncertain significance (1 of 4 stars; one submission).

Submission:

Labcorp Genetics (formerly Invitae), Labcorp
Classification: Uncertain significance. Last evaluated: 2022-03-28. Review status: criteria provided, single submitter. Criteria: Invitae Variant Classification Sherloc (09022015). Collection method: clinical testing. Allele origin: germline.
Comment: In summary, the available evidence is currently insufficient to determine the role of this variant in disease. Therefore, it has been classified as a Variant of Uncertain Significance. Algorithms developed to predict the effect of missense changes on protein structure and function are either unavailable or do not agree on the potential impact of this missense change (SIFT: "Deleterious"; PolyPhen-2: "Benign"; Align-GVGD: "Class C0"). This variant has not been reported in the literature in individuals affected with KL-related conditions. This variant is not present in population databases (gnomAD no frequency). This sequence change replaces alanine, which is neutral and non-polar, with glycine, which is neutral and non-polar, at codon 577 of the KL protein (p.Ala577Gly).